The following is an entry in ClinVar:

ClinVar aggregate classification (germline): Uncertain significance (1 of 4 stars; one submission).

Conditions:
Renal cell carcinoma. Identifiers: Orphanet 217071, MedGen C0007134, MeSH D002292, MONDO:0005086, HP:0005584.

Submission:

Labcorp Genetics (formerly Invitae), Labcorp
Classification: Uncertain significance for Renal cell carcinoma. Last evaluated: 2025-05-04. Review status: criteria provided, single submitter. Criteria: Invitae Variant Classification Sherloc (09022015). Collection method: clinical testing. Allele origin: germline.
Comment: This sequence change replaces phenylalanine, which is neutral and non-polar, with serine, which is neutral and polar, at codon 314 of the MET protein (p.Phe314Ser). This variant is not present in population databases (gnomAD no frequency). This variant has not been reported in the literature in individuals affected with MET-related conditions. Invitae Evidence Modeling of protein sequence and biophysical properties (such as structural, functional, and spatial information, amino acid conservation, physicochemical variation, residue mobility, and thermodynamic stability) indicates that this missense variant is expected to disrupt MET protein function with a positive predictive value of 80%. In summary, the available evidence is currently insufficient to determine the role of this variant in disease. Therefore, it has been classified as a Variant of Uncertain Significance.

NM_000245.4(MET):c.941T>C (p.Phe314Ser)

Gene: MET (MET proto-oncogene, receptor tyrosine kinase; plus strand). Cytogenetic location: 7q31.2.
Variant type: single nucleotide variant.
Coding change: c.941T>C on transcript NM_000245.4 (MANE Select); coding-DNA position 941, T replaced by C.
Protein change: p.Phe314Ser; replaces phenylalanine 314 with serine.
Molecular consequence: missense variant. On other transcripts: intron variant (1).
Genome position (GRCh38, 1-based): chr7:116,700,025, T>C. VCF-style: chr7-116700025-T-C. GRCh37 (hg19) VCF-style: chr7-116340079-T-C.
Other names: c.941T>C, p.Phe314Ser (NM_001127500.3, NM_001324401.3); c.-91+27448T>C (NM_001324402.2); short protein forms F314S.
Identifiers: ClinVar variation 4740407 (VCV004740407.1).
Genomic context (GRCh38, chr7:116,700,025, plus strand): 5'-TGCCTCTGGAGTGTATTCTCACAGAAAAGAGAAAAAAGAGATCCACAAAGAAGGAAGTGT[T>C]TAATATACTTCAGGCTGCGTATGTCAGCAAGCCTGGGGCCCAGCTTGCTAGACAAATAGG-3'
Protein context (NP_000236.2, residues 304-324): RKKRSTKKEV[Phe314Ser]NILQAAYVSK